The following is an entry in ClinVar:

NM_001204526.2(SSR4):c.19+2T>C

Gene: SSR4 (signal sequence receptor subunit 4; plus strand). Cytogenetic location: Xq28.
Variant type: single nucleotide variant.
Coding change: c.19+2T>C on transcript NM_001204526.2; the canonical splice donor site of the intron after coding-DNA position 19, T replaced by C.
Molecular consequence: splice donor variant. On other transcripts: intron variant (3).
Genome position (GRCh38, 1-based): chrX:153,794,587, T>C. VCF-style: chrX-153794587-T-C. GRCh37 (hg19) VCF-style: chrX-153060042-T-C.
Other names: c.-14-87T>C (NM_001440796.1); c.68-87T>C (NM_001440795.1); c.11-87T>C (NM_001204527.2).
Identifiers: ClinVar variation 3893303 (VCV003893303.1).

ClinVar aggregate classification (germline): Likely pathogenic (1 of 4 stars; one submission).

gnomAD v4.1: 1 of 1,190,693 alleles (0.000084%); highest among the groups gnomAD compares: Non-Finnish European, 0.00011%; no homozygotes.

Submission:

GeneDx
Classification: Likely pathogenic. Last evaluated: 2024-10-24. Review status: criteria provided, single submitter. Criteria: GeneDx Variant Classification Process June 2021. Collection method: clinical testing. Allele origin: germline. Affected: yes.
Comment: Canonical splice site variant predicted to result in a null allele in a gene for which loss of function is a known mechanism of disease; Not observed at significant frequency in large population cohorts (gnomAD); Has not been previously published as pathogenic or benign to our knowledge